The following is an entry in ClinVar:

ClinVar aggregate classification (germline): Likely pathogenic (1 of 4 stars; one submission).

Conditions:
Granulomatous disease, chronic, autosomal recessive, cytochrome b-positive, type 1. Also called: Chronic granulomatous disease due to deficiency of NCF-1; Chronic granulomatous disease 1, autosomal recessive; CGD, AUTOSOMAL RECESSIVE CYTOCHROME b-POSITIVE, TYPE I; GRANULOMATOUS DISEASE, CHRONIC, DUE TO NCF1 DEFICIENCY; Chronic Granulomatous Disease, Autosomal Recessive, Cytochrome b-Positive, Type I. Identifiers: Orphanet 379, MedGen C1856251, MONDO:0009309, OMIM 233700.

Submission:

First Genomix Gene Laboratory, Genetic Diagnostics Department
Classification: Likely pathogenic for Granulomatous disease, chronic, autosomal recessive, cytochrome b-positive, type 1. Last evaluated: 2025-08-25. Review status: criteria provided, single submitter. Criteria: ACMG Guidelines, 2015. Collection method: clinical testing. Allele origin: germline. Inheritance: Autosomal recessive inheritance. Affected: no. Observed: 1 variant allele.

NM_000265.7(NCF1):c.347del (p.Asp116fs)

Genes: NCF1 (neutrophil cytosolic factor 1; plus strand), LOC106029312 (Williams-Beuren syndrome medial block B recombination region; plus strand). Cytogenetic location: 7q11.23.
Variant type: Deletion.
Coding change: c.347del on transcript NM_000265.7 (MANE Select); coding-DNA position 347, one base deleted (A; older notation c.347delA).
Protein change: p.Asp116fs; shifts the reading frame from aspartic acid 116.
Molecular consequence: frameshift variant.
Genome position (GRCh38, 1-based): chr7:74,779,374, A deleted. VCF-style (leftmost placement, unchanged base first): chr7-74779373-GA-G. GRCh37 (hg19) VCF-style: chr7-74193719-GA-G.
Other names: c.347delA (NM_000265.7); short protein forms D116fs.
Identifiers: ClinVar variation 4850481 (VCV004850481.1).